The following is an entry in ClinVar:

NM_181078.3(IL21R):c.-17+563G>A

Gene: IL21R (interleukin 21 receptor; plus strand). Cytogenetic location: 16p12.1.
Variant type: single nucleotide variant.
Coding change: c.-17+563G>A on transcript NM_181078.3 (MANE Select); 563 bases into the intron after 17 bases upstream of the start codon, G replaced by A.
Molecular consequence: intron variant. On other transcripts: missense variant (1).
Genome position (GRCh38, 1-based): chr16:27,403,181, G>A. VCF-style: chr16-27403181-G-A. GRCh37 (hg19) VCF-style: chr16-27414502-G-A.
Other names: c.11G>A, p.Arg4His (NM_181079.5); short protein forms R4H.
Identifiers: ClinVar variation 626116 (VCV000626116.42), dbSNP rs117535117, ClinGen allele CA7974800.
Genomic context (GRCh38, chr16:27,403,181, plus strand): 5'-GGTGACTCAACTGGGACGTAGCAGGTCGGGCAGTCAAGCCAGGTGACCCCATGAGCTGTC[G>A]CTGCATCTTTCTCATGAAGCACGGGGAACGGGTCGGATGGTAAGAGGCCAACCCAGTTCC-3'

ClinVar aggregate classification (germline): Conflicting classifications of pathogenicity. Review status: criteria provided, conflicting classifications (1 of 4 stars). 5 submissions from 5 submitters: Uncertain significance (3); Benign (1); Likely benign (1). Last evaluated 2026-08-01.

Conditions:
IgE responsiveness, atopic. Also called: IMMUNOGLOBULIN E, BASIC LEVEL OF, IN SERUM. Identifiers: MedGen C1840253, MONDO:0007817, OMIM 147050.
Cryptosporidiosis-chronic cholangitis-liver disease syndrome. Also called: Immunodeficiency type 56; IL21R immunodeficiency. Identifiers: Orphanet 357329, MedGen C3554687, MONDO:0014082, OMIM 615207.

Allele frequency attached by ClinVar (database versions not stated): 1000 Genomes Project 0.00399; 1000 Genomes Project 30x 0.00406; ExAC 0.00406; gnomAD exomes 0.00709 and 0.01090; gnomAD 0.00854 and 0.00901; TOPMed 0.00876.
gnomAD v4.1: 14,169 of 1,338,990 alleles (1.1%); highest among the groups gnomAD compares: Non-Finnish European, 1.2%; 99 homozygotes.

Submissions (5):

CeGaT Center for Human Genetics Tuebingen
Classification: Benign. Last evaluated: 2026-08-01. Review status: criteria provided, single submitter. Criteria: CeGaT Center For Human Genetics Tuebingen Variant Classification Criteria Version 2. Collection method: clinical testing. Allele origin: germline. Affected: yes. Observed: 8 variant alleles.
Comment: IL21R: BS1, BS2

Blueprint Genetics
Classification: Uncertain significance. Last evaluated: 2024-11-25. Review status: criteria provided, single submitter. Criteria: ACMG Guidelines, 2015. Collection method: clinical testing. Allele origin: germline.

ARUP Laboratories, Molecular Genetics and Genomics, ARUP Laboratories
Classification: Likely benign for Cryptosporidiosis-chronic cholangitis-liver disease syndrome. Last evaluated: 2024-08-21. Review status: criteria provided, single submitter. Criteria: ARUP Molecular Germline Variant Investigation Process 2024. Collection method: clinical testing. Allele origin: germline.

Breakthrough Genomics
Classification: Uncertain significance. Review status: criteria provided, single submitter. Criteria: ACMG Guidelines, 2015. Collection method: not provided. Allele origin: germline. Inheritance: Autosomal recessive inheritance. Affected: yes.

Center for Genomics, Ann and Robert H. Lurie Children's Hospital of Chicago
Classification: Uncertain significance for IgE responsiveness, atopic; Cryptosporidiosis-chronic cholangitis-liver disease syndrome. Review status: criteria provided, single submitter. Criteria: ACMG Guidelines, 2015. Collection method: clinical testing. Allele origin: germline.
Comment: IL21R NM_181079.4 exon 2 p.Arg4His (c.11G>A): This variant has been reported in the literature in 2 individuals with a clinical diagnosis of Common Variable Immunodeficiency Disorder (CVID) (van Schouwenburg 2015 PMID:26122175). However, this variant is present in 1% (701/65380) of European alleles, including 2 homozygotes, in the Genome Aggregation Database. Evolutionary conservation and computational predictive tools suggest that this variant may not impact the protein. In summary, data on this variant is insufficient for disease classification. Therefore, the clinical significance of this variant is uncertain.